The following is an entry in ClinVar:

ClinVar aggregate classification (germline): Uncertain significance (1 of 4 stars; one submission).

gnomAD v4.1: 2 of 1,613,158 alleles (0.00012%); highest among the groups gnomAD compares: Non-Finnish European, 0.00017%; no homozygotes.

Submission:

Ambry Genetics
Classification: Uncertain significance. Last evaluated: 2025-02-27. Review status: criteria provided, single submitter. Criteria: Ambry Variant Classification Scheme 2023. Collection method: clinical testing. Allele origin: germline.
Comment: The p.C431Y variant (also known as c.1292G>A), located in coding exon 8 of the ATRIP gene, results from a G to A substitution at nucleotide position 1292. The cysteine at codon 431 is replaced by tyrosine, an amino acid with highly dissimilar properties. This amino acid position is highly conserved in available vertebrate species. In addition, this alteration is predicted to be deleterious by in silico analysis. The evidence for this gene-disease relationship is limited; therefore, the clinical significance of this alteration is unclear.

NM_130384.3(ATRIP):c.1292G>A (p.Cys431Tyr)

Genes: ATRIP (ATR interacting protein; plus strand), ATRIP-TREX1 (ATRIP-TREX1 readthrough; plus strand). Cytogenetic location: 3p21.31.
Variant type: single nucleotide variant.
Coding change: c.1292G>A on transcript NM_130384.3 (MANE Select); coding-DNA position 1292, G replaced by A.
Protein change: p.Cys431Tyr; replaces cysteine 431 with tyrosine.
Molecular consequence: missense variant. On other transcripts: non-coding transcript variant (1).
Genome position (GRCh38, 1-based): chr3:48,460,346, G>A. VCF-style: chr3-48460346-G-A. GRCh37 (hg19) VCF-style: chr3-48501745-G-A.
Other names: c.911G>A, p.Cys304Tyr (NM_001271022.2); c.1013G>A, p.Cys338Tyr (NM_001271023.2); c.1292G>A, p.Cys431Tyr (NM_032166.4); short protein forms C304Y, C338Y, C431Y.
Identifiers: ClinVar variation 3810750 (VCV003810750.1).
Genomic context (GRCh38, chr3:48,460,346, plus strand): 5'-GCCAGCTTCCTGGAGCCGTGCATTTCCTCCCCCTTGTACAGTTCTTCATCGGCTTACACT[G>A]CCAGGCCCTGCAGGACTTGGCAGCTGCTAAGAGAAGCGGAGCACCTGGGGACTCACCGAC-3'
Protein context (NP_569055.1, residues 421-441): PLVQFFIGLH[Cys431Tyr]QALQDLAAAK